The following is an entry in ClinVar:

ClinVar aggregate classification (germline): Uncertain significance (1 of 4 stars; one submission).

gnomAD v4.1: 1 of 1,614,016 alleles (0.000062%); highest among the groups gnomAD compares: Non-Finnish European, 0.000085%; no homozygotes.

Submission:

Labcorp Genetics (formerly Invitae), Labcorp
Classification: Uncertain significance. Last evaluated: 2025-05-27. Review status: criteria provided, single submitter. Criteria: Invitae Variant Classification Sherloc (09022015). Collection method: clinical testing. Allele origin: germline.
Comment: This sequence change replaces serine, which is neutral and polar, with proline, which is neutral and non-polar, at codon 524 of the FAM65B protein (p.Ser524Pro). This variant is not present in population databases (gnomAD no frequency). This variant has not been reported in the literature in individuals affected with FAM65B-related conditions. An algorithm developed to predict the effect of missense changes on protein structure and function outputs the following: PolyPhen-2: "Benign". The proline amino acid residue is found in multiple mammalian species, which suggests that this missense change does not adversely affect protein function. In summary, the available evidence is currently insufficient to determine the role of this variant in disease. Therefore, it has been classified as a Variant of Uncertain Significance.

NM_001286445.3(RIPOR2):c.1507T>C (p.Ser503Pro)

Gene: RIPOR2 (RHO family interacting cell polarization regulator 2; minus strand). Cytogenetic location: 6p22.3.
Variant type: single nucleotide variant.
Coding change: c.1507T>C on transcript NM_001286445.3 (MANE Select); coding-DNA position 1507, T replaced by C.
Protein change: p.Ser503Pro; replaces serine 503 with proline.
Molecular consequence: missense variant.
Genome position (GRCh38, 1-based): chr6:24,843,212, A>G on the plus strand (T>C on the coding strand, the complement: RIPOR2 is on the minus strand). VCF-style: chr6-24843212-A-G. GRCh37 (hg19) VCF-style: chr6-24843440-A-G.
Other names: c.1522T>C, p.Ser508Pro (NM_001286446.3); c.1420T>C, p.Ser474Pro (NM_001286447.2, NM_001346031.2, NM_001346032.2 and 1 more transcripts); c.1570T>C, p.Ser524Pro (NM_014722.5); short protein forms S474P, S508P, S503P, S524P.
Identifiers: ClinVar variation 4717918 (VCV004717918.1).